The following is an entry in ClinVar:

NM_198407.2(GHSR):c.611C>A (p.Ala204Glu)

Gene: GHSR (growth hormone secretagogue receptor; minus strand). Cytogenetic location: 3q26.31.
Variant type: single nucleotide variant.
Coding change: c.611C>A on transcript NM_198407.2 (MANE Select); coding-DNA position 611, C replaced by A.
Protein change: p.Ala204Glu; replaces alanine 204 with glutamic acid.
Molecular consequence: missense variant.
Genome position (GRCh38, 1-based): chr3:172,447,803, G>T on the plus strand (C>A on the coding strand, the complement: GHSR is on the minus strand). VCF-style: chr3-172447803-G-T. GRCh37 (hg19) VCF-style: chr3-172165593-G-T.
Other names: c.611C>A, p.Ala204Glu (NM_004122.2); short protein forms A204E.
Identifiers: ClinVar variation 7632 (VCV000007632.14), dbSNP rs121917883, ClinGen allele CA118934.

ClinVar aggregate classification (germline): Conflicting classifications of pathogenicity. Review status: criteria provided, conflicting classifications (1 of 4 stars). 8 submissions from 8 submitters: Likely pathogenic (3); Uncertain significance (2). 3 of the submissions do not count toward it. Last evaluated 2025-09-25.

Conditions:
Short stature due to growth hormone secretagogue receptor deficiency (GHDP). Also called: Short stature due to GHSR deficiency. Identifiers: Orphanet 314811, MedGen C5887324, MONDO:0014403, OMIM 615925.
Inborn genetic diseases. Identifiers: MedGen C0950123, MeSH D030342.

Allele frequency attached by ClinVar (database versions not stated): TOPMed 0.00003; gnomAD exomes 0.00003; ExAC 0.00003; gnomAD 0.00004.

Submissions (8):

First Genomix Gene Laboratory, Genetic Diagnostics Department
Classification: Likely pathogenic for Short stature due to growth hormone secretagogue receptor deficiency. Last evaluated: 2025-09-25. Review status: criteria provided, single submitter. Criteria: ACMG Guidelines, 2015. Collection method: clinical testing. Allele origin: germline. Inheritance: Autosomal recessive inheritance. Affected: no. Observed: 1 variant allele.

Blueprint Genetics
Classification: Uncertain significance. Last evaluated: 2024-07-23. Review status: criteria provided, single submitter. Criteria: ACMG Guidelines, 2015. Collection method: clinical testing. Allele origin: germline.

Labcorp Genetics (formerly Invitae), Labcorp
Classification: Uncertain significance. Last evaluated: 2024-04-16. Review status: criteria provided, single submitter. Criteria: Invitae Variant Classification Sherloc (09022015). Collection method: clinical testing. Allele origin: germline.
Comment: This sequence change replaces alanine, which is neutral and non-polar, with glutamic acid, which is acidic and polar, at codon 204 of the GHSR protein (p.Ala204Glu). This variant is present in population databases (rs121917883, gnomAD 0.005%). This missense change has been observed in individual(s) with GFSR-related conditions (PMID: 14715843, 16511605, 25557026). ClinVar contains an entry for this variant (Variation ID: 7632). Advanced modeling of protein sequence and biophysical properties (such as structural, functional, and spatial information, amino acid conservation, physicochemical variation, residue mobility, and thermodynamic stability) performed at Invitae indicates that this missense variant is not expected to disrupt GHSR protein function with a negative predictive value of 80%. Experimental studies have shown that this missense change affects GHSR function (PMID: 16511605, 17596538, 17717076, 21084395). In summary, the available evidence is currently insufficient to determine the role of this variant in disease. Therefore, it has been classified as a Variant of Uncertain Significance.

Ambry Genetics
Classification: Likely pathogenic for Inborn genetic diseases. Last evaluated: 2016-10-26. Review status: criteria provided, single submitter. Criteria: Ambry exome assertion method (8-5-2015). Collection method: clinical testing. Allele origin: germline. Affected: yes. Observed: 1 variant allele.

Clinical Genetics Service, Universitary Hospital 12 de Octubre
Classification: Likely pathogenic for Short stature due to growth hormone secretagogue receptor deficiency. Review status: criteria provided, single submitter. Criteria: ACMG Guidelines, 2015. Collection method: clinical testing. Allele origin: germline. Affected: yes.

OMIM
Classification: Pathogenic for GROWTH HORMONE DEFICIENCY, ISOLATED PARTIAL. Last evaluated: 2006-03-01. Review status: no assertion criteria provided. Collection method: literature only. Allele origin: germline. Not counted in ClinVar's aggregate classification.

Joint Genome Diagnostic Labs from Nijmegen and Maastricht, Radboudumc and MUMC+
Classification: Likely pathogenic. Review status: no assertion criteria provided. Collection method: clinical testing. Allele origin: germline. Affected: yes. Study: VKGL Data-share Consensus. Not counted in ClinVar's aggregate classification.

Laboratory of Diagnostic Genome Analysis, Leiden University Medical Center (LUMC)
Classification: Pathogenic. Review status: no assertion criteria provided. Collection method: clinical testing. Allele origin: germline. Affected: yes. Study: VKGL Data-share Consensus. Not counted in ClinVar's aggregate classification.

Literature cited by the submitters: PubMed 14715843 (cited by Labcorp Genetics (formerly Invitae), Labcorp); PubMed 16511605 (cited by Labcorp Genetics (formerly Invitae), Labcorp and OMIM); PubMed 25557026 (cited by Labcorp Genetics (formerly Invitae), Labcorp); PubMed 17596538 (cited by Labcorp Genetics (formerly Invitae), Labcorp); PubMed 17717076 (cited by Labcorp Genetics (formerly Invitae), Labcorp); PubMed 21084395 (cited by Labcorp Genetics (formerly Invitae), Labcorp).